The following is an entry in ClinVar:

NM_000124.4(ERCC6):c.2839C>T (p.Arg947Ter)

Genes: ERCC6 (ERCC excision repair 6, chromatin remodeling factor; minus strand), LOC126860933 (BRD4-independent group 4 enhancer GRCh37_chr10:50679962-50681161; plus strand). Cytogenetic location: 10q11.23.
Variant type: single nucleotide variant.
Coding change: c.2839C>T on transcript NM_000124.4 (MANE Select); coding-DNA position 2839, C replaced by T.
Protein change: p.Arg947Ter; replaces arginine 947 with a stop codon.
Molecular consequence: nonsense.
Genome position (GRCh38, 1-based): chr10:49,472,461, G>A on the plus strand (C>T on the coding strand, the complement: ERCC6 is on the minus strand). VCF-style: chr10-49472461-G-A. GRCh37 (hg19) VCF-style: chr10-50680507-G-A.
Other names: c.2839C>T, p.Arg947Ter (NM_001346440.2); short protein forms R947*.
Identifiers: ClinVar variation 502165 (VCV000502165.21), dbSNP rs906755254, ClinGen allele CA206586242.

ClinVar aggregate classification (germline): Pathogenic/Likely pathogenic. Review status: criteria provided, multiple submitters, no conflicts (2 of 4 stars). 8 submissions from 8 submitters: Pathogenic (4); Likely pathogenic (1). 3 of the submissions do not count toward it. Last evaluated 2025-02-16.

Conditions:
Age related macular degeneration 5. Identifiers: MedGen C3151063, MONDO:0013409, OMIM 613761.
Premature ovarian failure 11 (POF11). Identifiers: MedGen C4310783, MONDO:0014843, OMIM 616946.
Cockayne syndrome type 2 (CSB). Also called: Cockayne Syndrome, Type II; COCKAYNE SYNDROME B. Identifiers: Orphanet 191, Orphanet 90322, MedGen C0751038, MONDO:0019570, OMIM 133540.
Lung cancer. Also called: Lung cancer, somatic; Malignant tumor of lung. Identifiers: MedGen C0242379, MONDO:0008903, OMIM 211980.
DE SANCTIS-CACCHIONE SYNDROME. Identifiers: MedGen C0265201, MONDO:0010217, OMIM 278800.
UV-sensitive syndrome 1 (UVSS1). Identifiers: Orphanet 178338, MedGen C3551173, MONDO:0010909, OMIM 600630.
Cerebrooculofacioskeletal syndrome 1 (COFS1). Also called: Cerebro-oculo-facio-skeletal syndrome 1. Identifiers: MedGen C0220722, MONDO:0008955, OMIM 214150.

Allele frequency attached by ClinVar (database versions not stated): gnomAD exomes below 0.00001 and 0.00001; TOPMed 0.00001; gnomAD 0.00004.
gnomAD v4.1: 23 of 1,613,768 alleles (0.0014%); highest among the groups gnomAD compares: African/African-American, 0.016%; no homozygotes.

Submissions (8):

Laboratory of Genetics, Children's Clinical University Hospital Latvia
Classification: Pathogenic. Last evaluated: 2025-02-16. Review status: criteria provided, single submitter. Criteria: ACMG Guidelines, 2015. Collection method: clinical testing. Allele origin: germline. Affected: yes.

Fulgent Genetics
Classification: Likely pathogenic for Cockayne syndrome type 2; Lung cancer; Cerebrooculofacioskeletal syndrome 1; DE SANCTIS-CACCHIONE SYNDROME; UV-sensitive syndrome 1; Age related macular degeneration 5; Premature ovarian failure 11. Last evaluated: 2024-06-06. Review status: criteria provided, single submitter. Criteria: ACMG Guidelines, 2015. Collection method: clinical testing. Allele origin: germline.

Labcorp Genetics (formerly Invitae), Labcorp
Classification: Pathogenic. Last evaluated: 2024-02-16. Review status: criteria provided, single submitter. Criteria: Invitae Variant Classification Sherloc (09022015). Collection method: clinical testing. Allele origin: germline.
Comment: This sequence change creates a premature translational stop signal (p.Arg947*) in the ERCC6 gene. It is expected to result in an absent or disrupted protein product. Loss-of-function variants in ERCC6 are known to be pathogenic (PMID: 18628313, 29572252). This variant is present in population databases (no rsID available, gnomAD 0.02%). This premature translational stop signal has been observed in individual(s) with Cockayne syndrome (PMID: 29572252). ClinVar contains an entry for this variant (Variation ID: 502165). For these reasons, this variant has been classified as Pathogenic.

Neuberg Centre For Genomic Medicine, NCGM
Classification: Pathogenic for Cockayne syndrome type 2. Last evaluated: 2023-06-22. Review status: criteria provided, single submitter. Criteria: ACMG Guidelines, 2015. Collection method: clinical testing. Allele origin: germline. Inheritance: Autosomal recessive inheritance. Affected: yes.
Comment: The observed stop gained c.2839C>Tp.Arg947Ter variant in ERCC6 gene has been reported previously in homozygous and compound heterozygous states in individuals affected with Cockayne syndrome Calmels N, et al., 2018; Duong NT, et al., 2022. The c.2839C>T variant is present with 0.0004% in gnomAD Exomes. This variant has been submitted to the ClinVar database as Likely Pathogenic / Pathogenic. The nucleotide change c.2839C>T in ERCC6 is predicted as conserved by GERP++ and PhyloP across 100 vertebrates. This sequence change creates a premature translational stop signal p.Arg947Ter in the ERCC6 gene. This variant is predicted to cause loss of normal protein function through protein truncation. Loss of function variants have been previously reported to be disease causing Calmels N, et al., 2018. For these reasons, this variant has been classified as Pathogenic. In absence of another reportable variant in ERCC6 gene, the molecular diagnosis is not confirmed.

Eurofins Ntd Llc (ga)
Classification: Pathogenic. Last evaluated: 2017-05-30. Review status: criteria provided, single submitter. Criteria: EGL Classification Definitions 2015. Collection method: clinical testing. Allele origin: germline. Observed: 1 variant allele, 1 heterozygote.

Counsyl
Classification: Likely pathogenic for Cockayne syndrome type 2; Cerebrooculofacioskeletal syndrome 1; DE SANCTIS-CACCHIONE SYNDROME. Last evaluated: 2018-05-02. Review status: no assertion criteria provided. Collection method: clinical testing. Allele origin: unknown. Not counted in ClinVar's aggregate classification.

Clinical Genetics DNA and cytogenetics Diagnostics Lab, Erasmus MC, Erasmus Medical Center
Classification: Pathogenic. Review status: no assertion criteria provided. Collection method: clinical testing. Allele origin: germline. Affected: yes. Study: VKGL Data-share Consensus. Not counted in ClinVar's aggregate classification.

Joint Genome Diagnostic Labs from Nijmegen and Maastricht, Radboudumc and MUMC+
Classification: Pathogenic. Review status: no assertion criteria provided. Collection method: clinical testing. Allele origin: germline. Affected: yes. Study: VKGL Data-share Consensus. Not counted in ClinVar's aggregate classification.

Literature cited by the submitters: PubMed 18628313 (cited by Labcorp Genetics (formerly Invitae), Labcorp); PubMed 29572252 (cited by Labcorp Genetics (formerly Invitae), Labcorp); PubMed 9443879 (cited by Counsyl).